The following is an entry in ClinVar:

ClinVar aggregate classification (germline): Uncertain significance. Review status: criteria provided, multiple submitters, no conflicts (2 of 4 stars). 2 submissions from 2 submitters: Uncertain significance (2). Last evaluated 2025-12-05.

Conditions:
Renal cell carcinoma. Identifiers: Orphanet 217071, MedGen C0007134, MeSH D002292, MONDO:0005086, HP:0005584.
Hereditary cancer-predisposing syndrome. Also called: Tumor predisposition; Neoplastic Syndromes, Hereditary; Hereditary Cancer Syndrome; Hereditary neoplastic syndrome. Identifiers: Orphanet 140162, MedGen C0027672, MeSH D009386, MONDO:0015356.

Submissions (2):

Ambry Genetics
Classification: Uncertain significance for Hereditary cancer-predisposing syndrome. Last evaluated: 2025-12-05. Review status: criteria provided, single submitter. Criteria: Ambry Variant Classification Scheme 2023. Collection method: clinical testing. Allele origin: germline.
Comment: The p.R1022Q variant (also known as c.3065G>A), located in coding exon 13 of the MET gene, results from a G to A substitution at nucleotide position 3065. The arginine at codon 1022 is replaced by glutamine, an amino acid with highly similar properties. This amino acid position is highly conserved in available vertebrate species. In addition, the in silico prediction for this alteration is inconclusive. Based on the available evidence, the clinical significance of this variant remains unclear.

Labcorp Genetics (formerly Invitae), Labcorp
Classification: Uncertain significance for Renal cell carcinoma. Last evaluated: 2024-10-07. Review status: criteria provided, single submitter. Criteria: Invitae Variant Classification Sherloc (09022015). Collection method: clinical testing. Allele origin: germline.
Comment: This sequence change replaces arginine, which is basic and polar, with glutamine, which is neutral and polar, at codon 1022 of the MET protein (p.Arg1022Gln). This variant is not present in population databases (gnomAD no frequency). This variant has not been reported in the literature in individuals affected with MET-related conditions. ClinVar contains an entry for this variant (Variation ID: 2012160). Invitae Evidence Modeling of protein sequence and biophysical properties (such as structural, functional, and spatial information, amino acid conservation, physicochemical variation, residue mobility, and thermodynamic stability) indicates that this missense variant is not expected to disrupt MET protein function with a negative predictive value of 80%. In summary, the available evidence is currently insufficient to determine the role of this variant in disease. Therefore, it has been classified as a Variant of Uncertain Significance.

NM_000245.4(MET):c.3011G>A (p.Arg1004Gln)

Gene: MET (MET proto-oncogene, receptor tyrosine kinase; plus strand). Cytogenetic location: 7q31.2.
Variant type: single nucleotide variant.
Coding change: c.3011G>A on transcript NM_000245.4 (MANE Select); coding-DNA position 3011, G replaced by A.
Protein change: p.Arg1004Gln; replaces arginine 1004 with glutamine.
Molecular consequence: missense variant.
Genome position (GRCh38, 1-based): chr7:116,771,972, G>A. VCF-style: chr7-116771972-G-A. GRCh37 (hg19) VCF-style: chr7-116412026-G-A.
Other names: c.3065G>A, p.Arg1022Gln (NM_001127500.3); c.1721G>A, p.Arg574Gln (NM_001324402.2); short protein forms R1022Q, R1004Q, R574Q.
Identifiers: ClinVar variation 2012160 (VCV002012160.4), dbSNP rs2116997559, ClinGen allele CA368987457.